The following is an entry in ClinVar:

NM_003491.4(NAA10):c.259G>T (p.Ala87Ser)

Gene: NAA10 (N-alpha-acetyltransferase 10, NatA catalytic subunit; minus strand). Cytogenetic location: Xq28.
Variant type: single nucleotide variant.
Coding change: c.259G>T on transcript NM_003491.4 (MANE Select); coding-DNA position 259, G replaced by T.
Protein change: p.Ala87Ser; replaces alanine 87 with serine.
Molecular consequence: missense variant.
Genome position (GRCh38, 1-based): chrX:153,932,398, C>A on the plus strand (G>T on the coding strand, the complement: NAA10 is on the minus strand). VCF-style: chrX-153932398-C-A. GRCh37 (hg19) VCF-style: chrX-153197851-C-A.
Other names: c.259G>T, p.Ala87Ser (NM_001256119.2); c.241G>T, p.Ala81Ser (NM_001256120.2); c.259G>T (NM_003491.2); short protein forms A87S, A81S.
Identifiers: ClinVar variation 488558 (VCV000488558.6), dbSNP rs1557107543, ClinGen allele CA415159426.

ClinVar aggregate classification (germline): Pathogenic/Likely pathogenic. Review status: criteria provided, multiple submitters, no conflicts (2 of 4 stars). 4 submissions from 4 submitters: Pathogenic (2); Likely pathogenic (2). Last evaluated 2025-07-01.

Conditions:
Ogden syndrome (OGDNS). Also called: N-TERMINAL ACETYLTRANSFERASE DEFICIENCY. Identifiers: Orphanet 276432, MedGen C3275447, MONDO:0010457, OMIM 300855.
Inborn genetic diseases. Identifiers: MedGen C0950123, MeSH D030342.

Submissions (4):

Ambry Genetics
Classification: Pathogenic for Inborn genetic diseases. Last evaluated: 2025-07-01. Review status: criteria provided, single submitter. Criteria: Ambry Variant Classification Scheme 2023. Collection method: clinical testing. Allele origin: germline.
Comment: The c.259G>T (p.A87S) alteration is located in exon 5 (coding exon 5) of the NAA10 gene. This alteration results from a G to T substitution at nucleotide position 259, causing the alanine (A) at amino acid position 87 to be replaced by a serine (S). This variant was not reported in population-based cohorts in the Genome Aggregation Database (gnomAD). This variant was determined to be heterozygous and de novo in multiple individuals with features consistent with NAA10-related neurodevelopmental syndrome (Cheng, 2019). This amino acid position is highly conserved in available vertebrate species. This missense alteration is located in a region that has a low rate of benign missense variation (Lek, 2016; Firth, 2009). This alteration is predicted to be deleterious by in silico analysis. Based on the available evidence, this alteration is classified as pathogenic.

Dasa
Classification: Pathogenic. Last evaluated: 2025-02-05. Review status: criteria provided, single submitter. Criteria: DASA Assertion Criteria. Collection method: clinical testing. Allele origin: germline.
Comment: NM_003491.4(NAA10):c.259G>T (p.Ala87Ser) is a missense variant that results in the substitution of alanine with serine. The affected residue or protein region has prior evidence supporting clinical relevance. De novo occurrence has been reported in an individual with related phenotype. Functional evidence supports a deleterious effect on the gene or gene product (PMID: 31127942). This variant has been reported in individuals with related phenotype (PMID: 31127942). The variant is present at low frequency in population datasets. Based on the available data, this variant is classified as pathogenic.

Clinical Genomics Laboratory, Washington University in St. Louis
Classification: Likely pathogenic for Ogden syndrome. Last evaluated: 2024-01-18. Review status: criteria provided, single submitter. Criteria: ACMG Guidelines, 2015. Collection method: clinical testing. Allele origin: germline. Affected: yes.
Comment: The NAA10 c.259G>T (p.Ala87Ser) variant has been reported as occurring de novo in at least three females with NAA10-related syndrome including non-verbal severe global developmental delay, generalized hypotonia, and spastic paraplegia (Cheng H et al., PMID: 31127942). Additionally, this variant has been reported in the ClinVar database as a de novo germline likely pathogenic variant by one submitter. This variant is absent from the general population (gnomAD v.2.1.1), indicating it is not a common variant. Computational predictors are uncertain as to the impact of this variant on NAA10 function. Based on available information and the ACMG/AMP guidelines for variant interpretation (Richards S et al., PMID: 25741868), this variant is classified as likely pathogenic.

Institute of Human Genetics Munich, TUM University Hospital
Classification: Likely pathogenic for Ogden syndrome. Last evaluated: 2017-12-13. Review status: criteria provided, single submitter. Criteria: Classification criteria August 2017. Collection method: clinical testing. Allele origin: de novo. Inheritance: X-linked inheritance. Affected: yes. Observed: 1 heterozygote.

Literature cited by the submitters: PubMed 31127942 (cited by Ambry Genetics and Dasa).